The following is an entry in ClinVar:

ClinVar aggregate classification (germline): Conflicting classifications of pathogenicity. Review status: criteria provided, conflicting classifications (1 of 4 stars). 5 submissions from 5 submitters: Uncertain significance (2); Benign (1); Likely benign (2). Last evaluated 2025-11-01.

Conditions:
GATA binding protein 1 related thrombocytopenia with dyserythropoiesis. Also called: GATA1-Related X-Linked Cytopenia; GATA1-Related Cytopenia. Identifiers: MedGen C1845837, MONDO:0100089.
Diamond-Blackfan anemia. Also called: Blackfan Diamond syndrome; Aregenerative anemia chronic congenital; Red cell aplasia, pure hereditary; Congenital hypoplastic anemia; Aase syndrome. Identifiers: Orphanet 124, MedGen C1260899, MeSH D029503, MONDO:0015253, HP:0004810.

Allele frequency attached by ClinVar (database versions not stated): gnomAD 0.00006; TOPMed 0.00006; gnomAD exomes 0.00008 and 0.00020; ExAC 0.00026; ESP Exome Variant Server 0.00028.
gnomAD v4.1: 101 of 1,209,400 alleles (0.0084%); highest among the groups gnomAD compares: East Asian, 0.024%; no homozygotes.

Submissions (5):

Labcorp Genetics (formerly Invitae), Labcorp
Classification: Benign for GATA binding protein 1 related thrombocytopenia with dyserythropoiesis; Diamond-Blackfan anemia. Last evaluated: 2025-11-01. Review status: criteria provided, single submitter. Criteria: Invitae Variant Classification Sherloc (09022015). Collection method: clinical testing. Allele origin: germline.

Laboratory of Genetics, Children's Clinical University Hospital Latvia
Classification: Likely benign. Last evaluated: 2025-02-16. Review status: criteria provided, single submitter. Criteria: ACMG Guidelines, 2015. Collection method: clinical testing. Allele origin: germline. Affected: yes.

GeneDx
Classification: Uncertain significance. Last evaluated: 2024-04-15. Review status: criteria provided, single submitter. Criteria: GeneDx Variant Classification Process June 2021. Collection method: clinical testing. Allele origin: germline. Affected: yes.
Comment: In silico analysis supports that this missense variant has a deleterious effect on protein structure/function; Has not been previously published as pathogenic or benign to our knowledge

Blueprint Genetics
Classification: Likely benign. Last evaluated: 2023-06-29. Review status: criteria provided, single submitter. Criteria: ACMG Guidelines, 2015. Collection method: clinical testing. Allele origin: germline.

Genetic Services Laboratory, University of Chicago
Classification: Uncertain significance. Last evaluated: 2019-10-09. Review status: criteria provided, single submitter. Criteria: ACMG Guidelines, 2015. Collection method: clinical testing. Allele origin: germline. Affected: no.

NM_002049.4(GATA1):c.571C>T (p.Arg191Cys)

Gene: GATA1 (GATA binding protein 1; plus strand). Cytogenetic location: Xp11.23.
Variant type: single nucleotide variant.
Coding change: c.571C>T on transcript NM_002049.4 (MANE Select); coding-DNA position 571, C replaced by T.
Protein change: p.Arg191Cys; replaces arginine 191 with cysteine.
Molecular consequence: missense variant.
Genome position (GRCh38, 1-based): chrX:48,792,194, C>T. VCF-style: chrX-48792194-C-T. GRCh37 (hg19) VCF-style: chrX-48650601-C-T.
Other names: short protein forms R191C.
Identifiers: ClinVar variation 696057 (VCV000696057.18), dbSNP rs140561920, ClinGen allele CA10404619.